The following is an entry in ClinVar:

ClinVar aggregate classification (germline): Pathogenic (1 of 4 stars; one submission).

Conditions:
Hereditary breast ovarian cancer syndrome. Also called: Breast and ovarian cancer; Hereditary breast and ovarian cancer; Hereditary breast and/or ovarian cancer syndrome; BRCA1- and BRCA2-Associated Hereditary Breast and Ovarian Cancer; Hereditary breast and ovarian cancer syndrome (HBOC); Hereditary breast and ovarian cancer syndrome. Identifiers: Orphanet 145, MedGen C0677776, MeSH D061325, MONDO:0003582. Disease mechanism: loss of function.

Submission:

Labcorp Genetics (formerly Invitae), Labcorp
Classification: Pathogenic for Hereditary breast ovarian cancer syndrome. Last evaluated: 2016-11-06. Review status: criteria provided, single submitter. Criteria: Invitae Variant Classification Sherloc (09022015). Collection method: clinical testing. Allele origin: germline.
Comment: A gross deletion of the genomic region encompassing the full coding sequence of the BRCA1 gene has been identified. The boundaries of this event are unknown as the deletion extends beyond the assayed region for this gene and therefore may encompass additional genes. Loss-of-function variants in BRCA1 are known to be pathogenic. Gross deletions of the BRCA1 gene have been reported in families and individuals affected with breast/ovarian cancer (PMID: 17661172, 21989022, 22762150). For these reasons, this variant has been classified as Pathogenic.

NC_000017.11:g.(?_43044295)_(43124115_?)del

Genes: BRCA1 (BRCA1 DNA repair associated; minus strand), LOC110485084 (BRCA1 intronic recombination region; plus strand), LOC111589216 (BRCA1 intron 2 regulatory region; plus strand), LOC126862571 (BRD4-independent group 4 enhancer GRCh37_chr17:41243136-41244335; plus strand). Cytogenetic location: 17q21.31.
Variant type: Deletion.
Identifiers: ClinVar variation 417801 (VCV000417801.1).